The following is an entry in ClinVar:

NM_000260.4(MYO7A):c.1190C>G (p.Ala397Gly)

Gene: MYO7A (myosin VIIA; plus strand). Cytogenetic location: 11q13.5.
Variant type: single nucleotide variant.
Coding change: c.1190C>G on transcript NM_000260.4 (MANE Select); coding-DNA position 1190, C replaced by G.
Protein change: p.Ala397Gly; replaces alanine 397 with glycine.
Molecular consequence: missense variant.
Genome position (GRCh38, 1-based): chr11:77,160,272, C>G. VCF-style: chr11-77160272-C-G. GRCh37 (hg19) VCF-style: chr11-76871318-C-G.
Other names: c.1190C>G, p.Ala397Gly (NM_001127180.2); c.1157C>G, p.Ala386Gly (NM_001369365.1); short protein forms A397G, A386G.
Identifiers: ClinVar variation 2164489 (VCV002164489.4), dbSNP rs1555067667, ClinGen allele CA381934659.

ClinVar aggregate classification (germline): Likely pathogenic (1 of 4 stars; one submission).

Submission:

Labcorp Genetics (formerly Invitae), Labcorp
Classification: Likely pathogenic. Last evaluated: 2023-02-21. Review status: criteria provided, single submitter. Criteria: Invitae Variant Classification Sherloc (09022015). Collection method: clinical testing. Allele origin: germline.
Comment: In summary, the currently available evidence indicates that the variant is pathogenic, but additional data are needed to prove that conclusively. Therefore, this variant has been classified as Likely Pathogenic. This variant disrupts the p.Ala397 amino acid residue in MYO7A. Other variant(s) that disrupt this residue have been determined to be pathogenic (PMID: 9382091, 18700726, 20497194). This suggests that this residue is clinically significant, and that variants that disrupt this residue are likely to be disease-causing. Advanced modeling of protein sequence and biophysical properties (such as structural, functional, and spatial information, amino acid conservation, physicochemical variation, residue mobility, and thermodynamic stability) performed at Invitae indicates that this missense variant is expected to disrupt MYO7A protein function. This variant has not been reported in the literature in individuals affected with MYO7A-related conditions. This variant is not present in population databases (gnomAD no frequency). This sequence change replaces alanine, which is neutral and non-polar, with glycine, which is neutral and non-polar, at codon 397 of the MYO7A protein (p.Ala397Gly).

Literature cited by the submitters: PubMed 9382091; PubMed 18700726; PubMed 20497194.